The following is an entry in ClinVar:

ClinVar aggregate classification (germline): Uncertain significance (1 of 4 stars; one submission).

Conditions:
Mitochondrial complex II deficiency, nuclear type 1. Also called: SUCCINATE CoQ REDUCTASE DEFICIENCY. Identifiers: Orphanet 3208, MedGen C5700310, MONDO:0100294, OMIM 252011.
Pheochromocytoma/paraganglioma syndrome 5. Also called: Paragangliomas 5; SDHA-Related Hereditary Paraganglioma-Pheochromocytoma Syndrome. Identifiers: Orphanet 29072, MedGen C3279992, MONDO:0013602, OMIM 614165.

Submission:

Labcorp Genetics (formerly Invitae), Labcorp
Classification: Uncertain significance for Pheochromocytoma/paraganglioma syndrome 5; Mitochondrial complex II deficiency, nuclear type 1. Last evaluated: 2023-08-06. Review status: criteria provided, single submitter. Criteria: Invitae Variant Classification Sherloc (09022015). Collection method: clinical testing. Allele origin: germline.
Comment: This sequence change falls in intron 4 of the SDHA gene. It does not directly change the encoded amino acid sequence of the SDHA protein. This variant is not present in population databases (gnomAD no frequency). This variant has not been reported in the literature in individuals affected with SDHA-related conditions. Algorithms developed to predict the effect of sequence changes on RNA splicing suggest that this variant may create or strengthen a splice site. In summary, the available evidence is currently insufficient to determine the role of this variant in disease. Therefore, it has been classified as a Variant of Uncertain Significance.

NM_004168.4(SDHA):c.456+7G>A

Gene: SDHA (succinate dehydrogenase complex flavoprotein subunit A; plus strand). Cytogenetic location: 5p15.33.
Variant type: single nucleotide variant.
Coding change: c.456+7G>A on transcript NM_004168.4 (MANE Select); 7 bases into the intron after coding-DNA position 456, G replaced by A.
Molecular consequence: intron variant.
Genome position (GRCh38, 1-based): chr5:225,569, G>A. VCF-style: chr5-225569-G-A. GRCh37 (hg19) VCF-style: chr5-225684-G-A.
Other names: c.456+7G>A (NM_001330758.2); c.313-314G>A (NM_001294332.2).
Identifiers: ClinVar variation 2953400 (VCV002953400.3), dbSNP rs1734966853, ClinGen allele CA1521983763.
Genomic context (GRCh38, chr5:225,569, plus strand): 5'-GACCAGGATGCCATCCACTACATGACGGAGCAGGCCCCCGCCGCCGTGGTCGAGGTGATG[G>A]GCGGGAGGCTCTGGGTGTTCTCGTGGTCTGTTTCTAGTACAAAAGAATCCTGGAAAAAAA-3'